The following is an entry in ClinVar:

ClinVar aggregate classification (germline): Uncertain significance (1 of 4 stars; one submission).

Conditions:
Chédiak-Higashi syndrome (CHS). Also called: Chediak-Higashi Syndrome. Identifiers: Orphanet 167, MedGen C0007965, MONDO:0008963, OMIM 214500.

Submission:

Labcorp Genetics (formerly Invitae), Labcorp
Classification: Uncertain significance for Chédiak-Higashi syndrome. Last evaluated: 2025-06-05. Review status: criteria provided, single submitter. Criteria: Invitae Variant Classification Sherloc (09022015). Collection method: clinical testing. Allele origin: germline.
Comment: This sequence change replaces phenylalanine, which is neutral and non-polar, with leucine, which is neutral and non-polar, at codon 977 of the LYST protein (p.Phe977Leu). This variant is not present in population databases (gnomAD no frequency). This variant has not been reported in the literature in individuals affected with LYST-related conditions. ClinVar contains an entry for this variant (Variation ID: 2062998). Invitae Evidence Modeling of protein sequence and biophysical properties (such as structural, functional, and spatial information, amino acid conservation, physicochemical variation, residue mobility, and thermodynamic stability) indicates that this missense variant is not expected to disrupt LYST protein function with a negative predictive value of 80%. In summary, the available evidence is currently insufficient to determine the role of this variant in disease. Therefore, it has been classified as a Variant of Uncertain Significance.

NM_000081.4(LYST):c.2931C>A (p.Phe977Leu)

Gene: LYST (lysosomal trafficking regulator; minus strand). Cytogenetic location: 1q42.3.
Variant type: single nucleotide variant.
Coding change: c.2931C>A on transcript NM_000081.4 (MANE Select); coding-DNA position 2931, C replaced by A.
Protein change: p.Phe977Leu; replaces phenylalanine 977 with leucine.
Molecular consequence: missense variant.
Genome position (GRCh38, 1-based): chr1:235,806,205, G>T on the plus strand (C>A on the coding strand, the complement: LYST is on the minus strand). VCF-style: chr1-235806205-G-T. GRCh37 (hg19) VCF-style: chr1-235969505-G-T.
Other names: c.2931C>A, p.Phe977Leu (NM_001301365.1); short protein forms F977L.
Identifiers: ClinVar variation 2062998 (VCV002062998.4), dbSNP rs2527076624, ClinGen allele CA344954599.